The following is an entry in ClinVar:

NM_006767.4(LZTR1):c.2085del (p.Met695fs)

Gene: LZTR1 (leucine zipper like post translational regulator 1; plus strand). Cytogenetic location: 22q11.21.
Variant type: Deletion.
Coding change: c.2085del on transcript NM_006767.4 (MANE Select); coding-DNA position 2085, one base deleted (G; older notation c.2085delG).
Protein change: p.Met695fs; shifts the reading frame from methionine 695.
Molecular consequence: frameshift variant.
Genome position (GRCh38, 1-based): chr22:20,995,978, G deleted. VCF-style (leftmost placement, unchanged base first): chr22-20995977-TG-T. GRCh37 (hg19) VCF-style: chr22-21350266-TG-T.
Other names: short protein forms M695fs.
Identifiers: ClinVar variation 4811040 (VCV004811040.1).
Genomic context (GRCh38, chr22:20,995,977, plus strand): 5'-TCTTCGTTCTGCTGACGGCCAGGTGCCTACCGCTCGTTGTCTGCAGCTACTTTGAAGCCA[TG>T]TTCCGGTCCTTCATGCCCGAAGATGGGCAGGTGAACATCTCCATCGGGGAGATGGTGCCC-3'

ClinVar aggregate classification (germline): Pathogenic (1 of 4 stars; one submission).

Submission:

Labcorp Genetics (formerly Invitae), Labcorp
Classification: Pathogenic. Last evaluated: 2025-06-02. Review status: criteria provided, single submitter. Criteria: Invitae Variant Classification Sherloc (09022015). Collection method: clinical testing. Allele origin: germline.
Comment: This sequence change creates a premature translational stop signal (p.Met695Ilefs*12) in the LZTR1 gene. It is expected to result in an absent or disrupted protein product. Loss-of-function variants in LZTR1 are known to be pathogenic (PMID: 24362817, 25335493, 25480913, 25795793, 29469822, 30368668, 30442762, 30442766, 30481304, 30859559). This variant is not present in population databases (gnomAD no frequency). This variant has not been reported in the literature in individuals affected with LZTR1-related conditions. For these reasons, this variant has been classified as Pathogenic.

Literature cited by the submitters: PubMed 24362817; PubMed 25335493; PubMed 25480913; PubMed 25795793; PubMed 29469822; PubMed 30368668; PubMed 30442762; PubMed 30442766; PubMed 30481304; PubMed 30859559.